The following is an entry in ClinVar:

ClinVar aggregate classification (germline): Uncertain significance (1 of 4 stars; one submission).

gnomAD v4.1: 11 of 1,597,708 alleles (0.00069%); highest among the groups gnomAD compares: Non-Finnish European, 0.00094%; no homozygotes.

Submission:

Labcorp Genetics (formerly Invitae), Labcorp
Classification: Uncertain significance. Last evaluated: 2025-12-09. Review status: criteria provided, single submitter. Criteria: Invitae Variant Classification Sherloc (09022015). Collection method: clinical testing. Allele origin: germline.
Comment: This sequence change replaces alanine, which is neutral and non-polar, with valine, which is neutral and non-polar, at codon 646 of the ATP1A1 protein (p.Ala646Val). The frequency data for this variant in the population databases is considered unreliable, as metrics indicate poor data quality at this position in the gnomAD database. This variant has not been reported in the literature in individuals affected with ATP1A1-related conditions. Invitae Evidence Modeling of protein sequence and biophysical properties (such as structural, functional, and spatial information, amino acid conservation, physicochemical variation, residue mobility, and thermodynamic stability) indicates that this missense variant is not expected to disrupt ATP1A1 protein function with a negative predictive value of 95%. In summary, the available evidence is currently insufficient to determine the role of this variant in disease. Therefore, it has been classified as a Variant of Uncertain Significance.

NM_000701.8(ATP1A1):c.1937C>T (p.Ala646Val)

Genes: ATP1A1 (ATPase Na+/K+ transporting subunit alpha 1; plus strand), ATP1A1-AS1 (ATP1A1 antisense RNA 1; minus strand). Cytogenetic location: 1p13.1.
Variant type: single nucleotide variant.
Coding change: c.1937C>T on transcript NM_000701.8 (MANE Select); coding-DNA position 1937, C replaced by T.
Protein change: p.Ala646Val; replaces alanine 646 with valine.
Molecular consequence: missense variant.
Genome position (GRCh38, 1-based): chr1:116,396,698, C>T. VCF-style: chr1-116396698-C-T. GRCh37 (hg19) VCF-style: chr1-116939320-C-T.
Other names: c.1937C>T, p.Ala646Val (NM_001160233.2); c.1844C>T, p.Ala615Val (NM_001160234.2); short protein forms A646V, A615V.
Identifiers: ClinVar variation 4778655 (VCV004778655.1).